The following is an entry in ClinVar:

ClinVar aggregate classification (germline): Uncertain significance (1 of 4 stars; one submission).

Conditions:
Familial sleep-related hypermotor epilepsy. Also called: Autosomal Dominant Sleep-Related Hypermotor (Hyperkinetic) Epilepsy. Identifiers: Orphanet 98784, MedGen C3696898, MONDO:0000030.

Submission:

Labcorp Genetics (formerly Invitae), Labcorp
Classification: Uncertain significance. Last evaluated: 2021-07-17. Review status: criteria provided, single submitter. Criteria: Invitae Variant Classification Sherloc (09022015). Collection method: clinical testing. Allele origin: germline.
Comment: In summary, the available evidence is currently insufficient to determine the role of this variant in disease. Therefore, it has been classified as a Variant of Uncertain Significance. Algorithms developed to predict the effect of missense changes on protein structure and function output the following: SIFT: "Tolerated"; PolyPhen-2: "Benign"; Align-GVGD: "Class C0". The aspartic acid amino acid residue is found in multiple mammalian species, which suggests that this missense change does not adversely affect protein function. This variant has not been reported in the literature in individuals affected with CHRNA4-related conditions. This variant is not present in population databases (ExAC no frequency). This sequence change replaces glutamic acid with aspartic acid at codon 270 of the CHRNA4 protein (p.Glu270Asp). The glutamic acid residue is moderately conserved and there is a small physicochemical difference between glutamic acid and aspartic acid.

NM_000744.7(CHRNA4):c.810G>C (p.Glu270Asp)

Gene: CHRNA4 (cholinergic receptor nicotinic alpha 4 subunit; minus strand). Cytogenetic location: 20q13.33.
Variant type: single nucleotide variant.
Coding change: c.810G>C on transcript NM_000744.7 (MANE Select); coding-DNA position 810, G replaced by C.
Protein change: p.Glu270Asp; replaces glutamic acid 270 with aspartic acid.
Molecular consequence: missense variant. On other transcripts: non-coding transcript variant (1).
Genome position (GRCh38, 1-based): chr20:63,350,601, C>G on the plus strand (G>C on the coding strand, the complement: CHRNA4 is on the minus strand). VCF-style: chr20-63350601-C-G. GRCh37 (hg19) VCF-style: chr20-61981953-C-G.
Other names: c.282G>C, p.Glu94Asp (NM_001256573.2); short protein forms E270D, E94D.
Identifiers: ClinVar variation 1421627 (VCV001421627.8), dbSNP rs2123472324, ClinGen allele CA409636648.
Genomic context (GRCh38, chr20:63,350,601, plus strand): 5'-CAGCAGGAAGACGGTGAGCGACAGCAGCACGGAGATGCACAGCGTGATCTTCTCGCCACA[C>G]TCGGAGGGCAGGTAGAAGACCAGCACGGTGAGGCAGGAGATGAGCAGGCAGGGGATGATG-3'
Protein context (NP_000735.1, residues 260-280): LTVLVFYLPS[Glu270Asp]CGEKITLCIS